The following is an entry in ClinVar:

NM_020822.3(KCNT1):c.2197G>A (p.Glu733Lys)

Gene: KCNT1 (potassium sodium-activated channel subfamily T member 1; plus strand). Cytogenetic location: 9q34.3.
Variant type: single nucleotide variant.
Coding change: c.2197G>A on transcript NM_020822.3 (MANE Select); coding-DNA position 2197, G replaced by A.
Protein change: p.Glu733Lys; replaces glutamic acid 733 with lysine.
Molecular consequence: missense variant.
Genome position (GRCh38, 1-based): chr9:135,772,903, G>A. VCF-style: chr9-135772903-G-A. GRCh37 (hg19) VCF-style: chr9-138664749-G-A.
Other names: c.2062G>A, p.Glu688Lys (NM_001272003.2); short protein forms E688K, E733K.
Identifiers: ClinVar variation 2433039 (VCV002433039.4), dbSNP rs771824661, ClinGen allele CA5327205.

ClinVar aggregate classification (germline): Uncertain significance. Review status: criteria provided, multiple submitters, no conflicts (2 of 4 stars). 2 submissions from 2 submitters: Uncertain significance (2). Last evaluated 2025-05-18.

Conditions:
Autosomal dominant nocturnal frontal lobe epilepsy 5. Also called: Epilepsy, nocturnal frontal lobe, 5; KCNT1-Related Epilepsy; CILIARY DYSKINESIA, PRIMARY, 28, WITHOUT SITUS INVERSUS; CILIARY DYSKINESIA, PRIMARY, 28, WITH SITUS INVERSUS. Identifiers: Orphanet 98784, MedGen C3554306, MONDO:0014002, OMIM 615005.
Developmental and epileptic encephalopathy, 14 (DEE14). Also called: Early infantile epileptic encephalopathy 14. Identifiers: Orphanet 293181, MedGen C3554195, MONDO:0013989, OMIM 614959.

gnomAD v4.1: 1 of 1,551,618 alleles (0.000064%); no homozygotes.

Submissions (2):

Labcorp Genetics (formerly Invitae), Labcorp
Classification: Uncertain significance for Autosomal dominant nocturnal frontal lobe epilepsy 5; Developmental and epileptic encephalopathy, 14. Last evaluated: 2025-05-18. Review status: criteria provided, single submitter. Criteria: Invitae Variant Classification Sherloc (09022015). Collection method: clinical testing. Allele origin: germline.
Comment: This sequence change replaces glutamic acid, which is acidic and polar, with lysine, which is basic and polar, at codon 733 of the KCNT1 protein (p.Glu733Lys). This variant is not present in population databases (gnomAD no frequency). This variant has not been reported in the literature in individuals affected with KCNT1-related conditions. ClinVar contains an entry for this variant (Variation ID: 2433039). Invitae Evidence Modeling of protein sequence and biophysical properties (such as structural, functional, and spatial information, amino acid conservation, physicochemical variation, residue mobility, and thermodynamic stability) indicates that this missense variant is not expected to disrupt KCNT1 protein function with a negative predictive value of 80%. In summary, the available evidence is currently insufficient to determine the role of this variant in disease. Therefore, it has been classified as a Variant of Uncertain Significance.

Revvity Omics, Revvity
Classification: Uncertain significance. Last evaluated: 2021-12-09. Review status: criteria provided, single submitter. Criteria: ACMG Guidelines, 2015. Collection method: clinical testing. Allele origin: germline.